The following is an entry in ClinVar:

ClinVar aggregate classification (germline): Uncertain significance (1 of 4 stars; one submission).

Conditions:
Joubert syndrome 18 (JBTS18). Identifiers: Orphanet 2754, MedGen C3553758, MONDO:0013896, OMIM 614815.
Orofacial-digital syndrome IV (OFD4). Also called: BARAITSER-BURN SYNDROME; OFD SYNDROME WITH TIBIAL DEFECTS; OFD SYNDROME, BARAITSER-BURN TYPE; OFDS IV; ORAL-FACIAL-DIGITAL SYNDROME, TYPE IV; Orofaciodigital syndrome IV. Identifiers: Orphanet 2753, MedGen C0406727, MONDO:0009794, OMIM 258860.

gnomAD v4.1: 7 of 1,613,902 alleles (0.00043%); highest among the groups gnomAD compares: South Asian, 0.0011%; no homozygotes.

Submission:

Labcorp Genetics (formerly Invitae), Labcorp
Classification: Uncertain significance for Joubert syndrome 18; Orofacial-digital syndrome IV. Last evaluated: 2022-03-23. Review status: criteria provided, single submitter. Criteria: Invitae Variant Classification Sherloc (09022015). Collection method: clinical testing. Allele origin: germline.
Comment: This variant has not been reported in the literature in individuals affected with TCTN3-related conditions. In summary, the available evidence is currently insufficient to determine the role of this variant in disease. Therefore, it has been classified as a Variant of Uncertain Significance. Algorithms developed to predict the effect of missense changes on protein structure and function output the following: SIFT: "Tolerated"; PolyPhen-2: "Benign"; Align-GVGD: "Class C0". The histidine amino acid residue is found in multiple mammalian species, which suggests that this missense change does not adversely affect protein function. This variant is present in population databases (rs768137956, gnomAD 0.0009%). This sequence change replaces glutamine, which is neutral and polar, with histidine, which is basic and polar, at codon 525 of the TCTN3 protein (p.Gln525His).

NM_015631.6(TCTN3):c.1575G>T (p.Gln525His)

Gene: TCTN3 (tectonic family member 3; minus strand). Cytogenetic location: 10q24.1.
Variant type: single nucleotide variant.
Coding change: c.1575G>T on transcript NM_015631.6 (MANE Select); coding-DNA position 1575, G replaced by T.
Protein change: p.Gln525His; replaces glutamine 525 with histidine.
Molecular consequence: missense variant.
Genome position (GRCh38, 1-based): chr10:95,680,487, C>A on the plus strand (G>T on the coding strand, the complement: TCTN3 is on the minus strand). VCF-style: chr10-95680487-C-A. GRCh37 (hg19) VCF-style: chr10-97440244-C-A.
Other names: c.1629G>T, p.Gln543His (NM_001013840.1); c.1131G>T, p.Gln377His (NM_001143973.2); c.1479G>T, p.Gln493His (NM_001410982.1); short protein forms Q493H, Q377H, Q525H, Q543H.
Identifiers: ClinVar variation 2072015 (VCV002072015.4), dbSNP rs768137956, ClinGen allele CA5620790.